The following is an entry in ClinVar:

NM_031844.3(HNRNPU):c.1030A>G (p.Ile344Val)

Gene: HNRNPU (heterogeneous nuclear ribonucleoprotein U; minus strand). Cytogenetic location: 1q44.
Variant type: single nucleotide variant.
Coding change: c.1030A>G on transcript NM_031844.3 (MANE Select); coding-DNA position 1030, A replaced by G.
Protein change: p.Ile344Val; replaces isoleucine 344 with valine.
Molecular consequence: missense variant.
Genome position (GRCh38, 1-based): chr1:244,859,362, T>C on the plus strand (A>G on the coding strand, the complement: HNRNPU is on the minus strand). VCF-style: chr1-244859362-T-C. GRCh37 (hg19) VCF-style: chr1-245022664-T-C.
Other names: c.973A>G, p.Ile325Val (NM_004501.3); short protein forms I325V, I344V.
Identifiers: ClinVar variation 1374050 (VCV001374050.8), dbSNP rs1377845040, ClinGen allele CA345493408.
Genomic context (GRCh38, chr1:244,859,362, plus strand): 5'-ACCAGCCAATACGAACTTCATGTATGTCAATATCTTTTGTATATAAATGCCTTACTGGGA[T>C]CTTCTCTGTAACCTGAAAGTCAAATCATTAAATAATTAAAATAATACACCAAGGAGGTAA-3'
Protein context (NP_114032.2, residues 334-354): VCFEMKVTEK[Ile344Val]PVRHLYTKDI

ClinVar aggregate classification (germline): Uncertain significance (1 of 4 stars; one submission).

Conditions:
Developmental and epileptic encephalopathy, 54. Also called: HNRNPU-Related Neurodevelopmental Disorder; Epileptic encephalopathy, early infantile, 54. Identifiers: MedGen C4479319, MONDO:0033363, OMIM 617391.

Allele frequency attached by ClinVar (database versions not stated): TOPMed 0.00001.

Submission:

Labcorp Genetics (formerly Invitae), Labcorp
Classification: Uncertain significance for Developmental and epileptic encephalopathy, 54. Last evaluated: 2020-11-06. Review status: criteria provided, single submitter. Criteria: Invitae Variant Classification Sherloc (09022015). Collection method: clinical testing. Allele origin: germline.
Comment: This variant is not present in population databases (ExAC no frequency). This sequence change replaces isoleucine with valine at codon 344 of the HNRNPU protein (p.Ile344Val). The isoleucine residue is highly conserved and there is a small physicochemical difference between isoleucine and valine. This variant has not been reported in the literature in individuals with HNRNPU-related conditions. In summary, the available evidence is currently insufficient to determine the role of this variant in disease. Therefore, it has been classified as a Variant of Uncertain Significance. Algorithms developed to predict the effect of missense changes on protein structure and function are either unavailable or do not agree on the potential impact of this missense change (SIFT: "Tolerated"; PolyPhen-2: "Not Available"; Align-GVGD: "Class C0").